The following is an entry in ClinVar:

NM_024411.5(PDYN):c.347C>G (p.Ser116Ter)

Genes: PDYN (prodynorphin; minus strand), PDYN-AS1 (PDYN antisense RNA 1; plus strand). Cytogenetic location: 20p13.
Variant type: single nucleotide variant.
Coding change: c.347C>G on transcript NM_024411.5 (MANE Select); coding-DNA position 347, C replaced by G.
Protein change: p.Ser116Ter; replaces serine 116 with a stop codon.
Molecular consequence: nonsense.
Genome position (GRCh38, 1-based): chr20:1,980,741, G>C on the plus strand (C>G on the coding strand, the complement: PDYN is on the minus strand). VCF-style: chr20-1980741-G-C. GRCh37 (hg19) VCF-style: chr20-1961387-G-C.
Other names: c.347C>G, p.Ser116Ter (NM_001190892.1, NM_001190898.3, NM_001190899.2 and 1 more transcripts); short protein forms S116*.
Identifiers: ClinVar variation 1411111 (VCV001411111.5), dbSNP rs1987710238, ClinGen allele CA408003343.

ClinVar aggregate classification (germline): Uncertain significance (1 of 4 stars; one submission).

Allele frequency attached by ClinVar (database versions not stated): TOPMed below 0.00001.

Submission:

Labcorp Genetics (formerly Invitae), Labcorp
Classification: Uncertain significance. Last evaluated: 2022-07-12. Review status: criteria provided, single submitter. Criteria: Invitae Variant Classification Sherloc (09022015). Collection method: clinical testing. Allele origin: germline.
Comment: This variant has not been reported in the literature in individuals affected with PDYN-related conditions. This sequence change creates a premature translational stop signal (p.Ser116*) in the PDYN gene. While this is not anticipated to result in nonsense mediated decay, it is expected to disrupt the last 139 amino acid(s) of the PDYN protein. This variant is not present in population databases (gnomAD no frequency). ClinVar contains an entry for this variant (Variation ID: 1411111). In summary, the available evidence is currently insufficient to determine the role of this variant in disease. Therefore, it has been classified as a Variant of Uncertain Significance.